The following is an entry in ClinVar:

ClinVar aggregate classification (germline): Uncertain significance (1 of 4 stars; one submission).

Submission:

GeneDx
Classification: Uncertain significance. Last evaluated: 2024-12-13. Review status: criteria provided, single submitter. Criteria: GeneDx Variant Classification Process June 2021. Collection method: clinical testing. Allele origin: germline. Affected: yes.
Comment: Not observed at significant frequency in large population cohorts (gnomAD); In silico analysis supports that this missense variant has a deleterious effect on protein structure/function; Has not been previously published as pathogenic or benign to our knowledge

NM_024422.6(DSC2):c.2207A>T (p.Asn736Ile)

Gene: DSC2 (desmocollin 2; minus strand). Cytogenetic location: 18q12.1.
Variant type: single nucleotide variant.
Coding change: c.2207A>T on transcript NM_024422.6 (MANE Select); coding-DNA position 2207, A replaced by T.
Protein change: p.Asn736Ile; replaces asparagine 736 with isoleucine.
Molecular consequence: missense variant.
Genome position (GRCh38, 1-based): chr18:31,070,769, T>A on the plus strand (A>T on the coding strand, the complement: DSC2 is on the minus strand). VCF-style: chr18-31070769-T-A. GRCh37 (hg19) VCF-style: chr18-28650735-T-A.
Other names: c.1778A>T, p.Asn593Ile (NM_001406506.1, NM_001406507.1); c.2207A>T, p.Asn736Ile (NM_004949.5); short protein forms N593I, N736I.
Identifiers: ClinVar variation 3903053 (VCV003903053.1).
Genomic context (GRCh38, chr18:31,070,769, plus strand): 5'-AAAGCCAGACTACTTACCACTTTGTCATCTCCAGGAGCTTCTGTGTTTGATACAATTAGG[T>A]TCTGCTGGGCTAAATCATCAGGAATTACTTTTGGTTGTTTAGACGTCCCAGAAGCCCCAC-3'
Protein context (NP_077740.1, residues 726-746): KVIPDDLAQQ[Asn736Ile]LIVSNTEAPG